The following is an entry in ClinVar:

ClinVar aggregate classification (germline): Uncertain significance (1 of 4 stars; one submission).

Conditions:
Hereditary cancer-predisposing syndrome. Also called: Neoplastic Syndromes, Hereditary; Tumor predisposition; Hereditary Cancer Syndrome; Hereditary neoplastic syndrome. Identifiers: Orphanet 140162, MedGen C0027672, MeSH D009386, MONDO:0015356.

Submission:

Ambry Genetics
Classification: Uncertain significance for Hereditary cancer-predisposing syndrome. Last evaluated: 2026-02-24. Review status: criteria provided, single submitter. Criteria: Ambry Variant Classification Scheme 2023. Collection method: clinical testing. Allele origin: germline.
Comment: The p.V1070D variant (also known as c.3209T>A), located in coding exon 22 of the SMARCA4 gene, results from a T to A substitution at nucleotide position 3209. The valine at codon 1070 is replaced by aspartic acid, an amino acid with highly dissimilar properties. This amino acid position is conserved. In addition, this alteration is predicted to be deleterious by in silico analysis. Based on the available evidence, the clinical significance of this variant remains unclear.

NM_003072.5(SMARCA4):c.3209T>A (p.Val1070Asp)

Gene: SMARCA4 (SWI/SNF related BAF chromatin remodeling complex subunit ATPase 4; plus strand). Cytogenetic location: 19p13.2.
Variant type: single nucleotide variant.
Coding change: c.3209T>A on transcript NM_003072.5 (MANE Select); coding-DNA position 3209, T replaced by A.
Protein change: p.Val1070Asp; replaces valine 1070 with aspartic acid.
Molecular consequence: missense variant. On other transcripts: non-coding transcript variant (1).
Genome position (GRCh38, 1-based): chr19:11,026,340, T>A. VCF-style: chr19-11026340-T-A. GRCh37 (hg19) VCF-style: chr19-11137016-T-A.
Other names: c.3209T>A, p.Val1070Asp (NM_001128844.3, NM_001128845.2, NM_001128846.2 and 6 more transcripts); short protein forms V1070D.
Identifiers: ClinVar variation 4827325 (VCV004827325.1).